The following is an entry in ClinVar:

ClinVar aggregate classification (germline): Uncertain significance (1 of 4 stars; one submission).

Submission:

Labcorp Genetics (formerly Invitae), Labcorp
Classification: Uncertain significance. Last evaluated: 2025-11-27. Review status: criteria provided, single submitter. Criteria: Invitae Variant Classification Sherloc (09022015). Collection method: clinical testing. Allele origin: germline.
Comment: This sequence change replaces glutamic acid, which is acidic and polar, with aspartic acid, which is acidic and polar, at codon 1750 of the FAT4 protein (p.Glu1750Asp). This variant is not present in population databases (gnomAD no frequency). This variant has not been reported in the literature in individuals affected with FAT4-related conditions. Invitae Evidence Modeling of protein sequence and biophysical properties (such as structural, functional, and spatial information, amino acid conservation, physicochemical variation, residue mobility, and thermodynamic stability) indicates that this missense variant is not expected to disrupt FAT4 protein function with a negative predictive value of 80%. In summary, the available evidence is currently insufficient to determine the role of this variant in disease. Therefore, it has been classified as a Variant of Uncertain Significance.

NM_001291303.3(FAT4):c.5250G>C (p.Glu1750Asp)

Gene: FAT4 (FAT atypical cadherin 4; plus strand). Cytogenetic location: 4q28.1.
Variant type: single nucleotide variant.
Coding change: c.5250G>C on transcript NM_001291303.3 (MANE Select); coding-DNA position 5250, G replaced by C.
Protein change: p.Glu1750Asp; replaces glutamic acid 1750 with aspartic acid.
Molecular consequence: missense variant.
Genome position (GRCh38, 1-based): chr4:125,398,858, G>C. VCF-style: chr4-125398858-G-C. GRCh37 (hg19) VCF-style: chr4-126320013-G-C.
Other names: c.5250G>C, p.Glu1750Asp (NM_001291285.3, NM_001438396.1, NM_001438397.1 and 1 more transcripts); c.21G>C, p.Glu7Asp (NM_001437895.1); short protein forms E1750D, E7D.
Identifiers: ClinVar variation 4764026 (VCV004764026.1).